The following is an entry in ClinVar:

NM_001127208.3(TET2):c.3894dup (p.Lys1299Ter)

Genes: TET2 (tet methylcytosine dioxygenase 2; plus strand), TET2-AS1 (TET2 antisense RNA 1; minus strand). Cytogenetic location: 4q24.
Variant type: Duplication.
Coding change: c.3894dup on transcript NM_001127208.3 (MANE Select); coding-DNA position 3894, one base duplicated (T; older notation c.3894dupT).
Protein change: p.Lys1299Ter; replaces lysine 1299 with a stop codon.
Molecular consequence: nonsense.
Genome position (GRCh38, 1-based): chr4:105,259,709, T duplicated. VCF-style (leftmost placement, unchanged base first): chr4-105259708-G-GT. GRCh37 (hg19) VCF-style: chr4-106180865-G-GT.
Other names: short protein forms K1299*.
Identifiers: ClinVar variation 2816606 (VCV002816606.3), dbSNP rs1021869760, ClinGen allele CA102770091.

ClinVar aggregate classification (germline): Pathogenic (1 of 4 stars; one submission).

Allele frequency attached by ClinVar (database versions not stated): gnomAD exomes below 0.00001; TOPMed below 0.00001; gnomAD 0.00001.

Submission:

Labcorp Genetics (formerly Invitae), Labcorp
Classification: Pathogenic. Last evaluated: 2024-02-23. Review status: criteria provided, single submitter. Criteria: Invitae Variant Classification Sherloc (09022015). Collection method: clinical testing. Allele origin: germline.
Comment: This sequence change creates a premature translational stop signal (p.Lys1299*) in the TET2 gene. It is expected to result in an absent or disrupted protein product. Loss-of-function variants in TET2 are known to be pathogenic (PMID: 36066697). This variant is not present in population databases (gnomAD no frequency). This variant has not been reported in the literature in individuals affected with TET2-related conditions. For these reasons, this variant has been classified as Pathogenic.

Literature cited by the submitters: PubMed 36066697.